The following is an entry in ClinVar:

ClinVar aggregate classification (germline): Uncertain significance (1 of 4 stars; one submission).

Allele frequency attached by ClinVar (database versions not stated): gnomAD exomes 0.00001.
gnomAD v4.1: 7 of 1,614,010 alleles (0.00043%); highest among the groups gnomAD compares: Non-Finnish European, 0.00059%; no homozygotes.

Submission:

Labcorp Genetics (formerly Invitae), Labcorp
Classification: Uncertain significance. Last evaluated: 2024-01-27. Review status: criteria provided, single submitter. Criteria: Invitae Variant Classification Sherloc (09022015). Collection method: clinical testing. Allele origin: germline.
Comment: This sequence change replaces threonine, which is neutral and polar, with alanine, which is neutral and non-polar, at codon 937 of the CACNA1D protein (p.Thr937Ala). This variant is not present in population databases (gnomAD no frequency). This variant has not been reported in the literature in individuals affected with CACNA1D-related conditions. ClinVar contains an entry for this variant (Variation ID: 1478716). An algorithm developed to predict the effect of missense changes on protein structure and function (PolyPhen-2) suggests that this variant is likely to be tolerated. In summary, the available evidence is currently insufficient to determine the role of this variant in disease. Therefore, it has been classified as a Variant of Uncertain Significance.

NM_001128840.3(CACNA1D):c.2749A>G (p.Thr917Ala)

Gene: CACNA1D (calcium voltage-gated channel subunit alpha1 D; plus strand). Cytogenetic location: 3p21.1.
Variant type: single nucleotide variant.
Coding change: c.2749A>G on transcript NM_001128840.3 (MANE Select); coding-DNA position 2749, A replaced by G.
Protein change: p.Thr917Ala; replaces threonine 917 with alanine.
Molecular consequence: missense variant.
Genome position (GRCh38, 1-based): chr3:53,735,501, A>G. VCF-style: chr3-53735501-A-G. GRCh37 (hg19) VCF-style: chr3-53769528-A-G.
Other names: c.2809A>G, p.Thr937Ala (NM_000720.4); c.2749A>G, p.Thr917Ala (NM_001128839.3); short protein forms T937A, T917A.
Identifiers: ClinVar variation 1478716 (VCV001478716.8), dbSNP rs2108787281, ClinGen allele CA353242935.
Genomic context (GRCh38, chr3:53,735,501, plus strand): 5'-ATGCTGAGCAGCGCTGCCCTGGCCGCAGAGGACCCCATCCGCAGCCACTCCTTCCGGAAC[A>G]CGGTAAGTCCCCAGGGTGGGGCTCGCTCTGGGATAGCCCTGGCCTCTCTCGGGCAGAGGC-3'
Protein context (NP_001122312.1, residues 907-927): DPIRSHSFRN[Thr917Ala]ILGYFDYAFT